The following is an entry in ClinVar:

NM_000321.3(RB1):c.608-11T>C

Gene: RB1 (RB transcriptional corepressor 1; plus strand). Cytogenetic location: 13q14.2.
Variant type: single nucleotide variant.
Coding change: c.608-11T>C on transcript NM_000321.3 (MANE Select); 11 bases into the intron before coding-DNA position 608, T replaced by C.
Molecular consequence: intron variant.
Genome position (GRCh38, 1-based): chr13:48,360,006, T>C. VCF-style: chr13-48360006-T-C. GRCh37 (hg19) VCF-style: chr13-48934142-T-C.
Identifiers: ClinVar variation 1534019 (VCV001534019.10), dbSNP rs1158572664, ClinGen allele CA609574604.

ClinVar aggregate classification (germline): Likely benign. Review status: criteria provided, multiple submitters, no conflicts (2 of 4 stars). 3 submissions from 3 submitters: Likely benign (3). Last evaluated 2026-06-18.

Conditions:
Retinoblastoma (RB1). Also called: RETINOBLASTOMA, SOMATIC. Identifiers: Orphanet 790, MedGen C0035335, MeSH D012175, MONDO:0008380, OMIM 180200, HP:0009919. Disease mechanism: loss of function. Inheritance: Both sporadic and heritable forms are tested..

Allele frequency attached by ClinVar (database versions not stated): TOPMed 0.00001; gnomAD exomes 0.00001.
gnomAD v4.1: 3 of 1,610,912 alleles (0.00019%); highest among the groups gnomAD compares: South Asian, 0.0011%; no homozygotes.

Submissions (3):

Myriad Genetics, Inc.
Classification: Likely benign for Retinoblastoma. Last evaluated: 2026-06-18. Review status: criteria provided, single submitter. Criteria: Myriad Autosomal Dominant, Autosomal Recessive and X-Linked Classification Criteria (2023). Collection method: clinical testing. Allele origin: unknown.
Comment: This variant is considered likely benign. This variant is intronic and is not expected to impact mRNA splicing.

Labcorp Genetics (formerly Invitae), Labcorp
Classification: Likely benign for Retinoblastoma. Last evaluated: 2025-12-20. Review status: criteria provided, single submitter. Criteria: Invitae Variant Classification Sherloc (09022015). Collection method: clinical testing. Allele origin: germline.

All of Us Research Program, National Institutes of Health
Classification: Likely benign for Retinoblastoma. Last evaluated: 2023-02-24. Review status: criteria provided, single submitter. Criteria: ACMG Guidelines, 2015. Collection method: clinical testing. Allele origin: germline. Inheritance: Autosomal dominant inheritance. Observed: 1 variant allele, 1 heterozygote.
Comment: This study involves interpretation of variants in research participants for the purpose of population health screening. Participant phenotype was not available at the time of variant classification. Additional details can be found in publication PMID: 35346344, PMCID: PMC8962531